The following is an entry in ClinVar:

ClinVar aggregate classification (germline): Likely benign (1 of 4 stars; one submission).

Allele frequency attached by ClinVar (database versions not stated): ExAC 0.00012; gnomAD 0.00013; gnomAD exomes 0.00019; ESP Exome Variant Server 0.00031.

Submission:

CeGaT Center for Human Genetics Tuebingen
Classification: Likely benign. Last evaluated: 2023-05-01. Review status: criteria provided, single submitter. Criteria: CeGaT Center For Human Genetics Tuebingen Variant Classification Criteria Version 2. Collection method: clinical testing. Allele origin: germline. Affected: yes. Observed: 1 variant allele.
Comment: ZNF91: BP4, BP7

NM_003430.4(ZNF91):c.193C>T (p.Leu65=)

Gene: ZNF91 (zinc finger protein 91; minus strand). Cytogenetic location: 19p12.
Variant type: single nucleotide variant.
Coding change: c.193C>T on transcript NM_003430.4 (MANE Select); coding-DNA position 193, C replaced by T.
Protein change: p.Leu65=; no amino-acid change (leucine 65 retained).
Molecular consequence: synonymous variant. On other transcripts: intron variant (1).
Genome position (GRCh38, 1-based): chr19:23,373,802, G>A on the plus strand (C>T on the coding strand, the complement: ZNF91 is on the minus strand). VCF-style: chr19-23373802-G-A. GRCh37 (hg19) VCF-style: chr19-23556604-G-A.
Other names: c.157+836C>T (NM_001300951.2).
Identifiers: ClinVar variation 2649664 (VCV002649664.24), dbSNP rs377228317, ClinGen allele CA9348303.
Genomic context (GRCh38, chr19:23,373,802, plus strand): 5'-CTGTGGGTTCATCCACCATCTCATGTTGCTTCATATTCCAGGGCTCTTTTCCTTGCTCCA[G>A]ATAAGTAATCAGGTCTGGCTTAGAGAGAGCAATACCTGTTTTATTAAAAATAACTAACAT-3'
Protein context (NP_003421.2, residues 55-75): ALSKPDLITY[Leu65=]EQGKEPWNMK